The following is an entry in ClinVar:

ClinVar aggregate classification (germline): Uncertain significance (1 of 4 stars; one submission).

Conditions:
Hereditary cancer-predisposing syndrome. Also called: Neoplastic Syndromes, Hereditary; Tumor predisposition; Hereditary Cancer Syndrome; Hereditary neoplastic syndrome. Identifiers: Orphanet 140162, MedGen C0027672, MeSH D009386, MONDO:0015356.

Submission:

Ambry Genetics
Classification: Uncertain significance for Hereditary cancer-predisposing syndrome. Last evaluated: 2022-10-24. Review status: criteria provided, single submitter. Criteria: Ambry Variant Classification Scheme 2023. Collection method: clinical testing. Allele origin: germline.
Comment: The p.T665A variant (also known as c.1993A>G), located in coding exon 13 of the PDGFRA gene, results from an A to G substitution at nucleotide position 1993. The threonine at codon 665 is replaced by alanine, an amino acid with similar properties. This amino acid position is highly conserved in available vertebrate species. In addition, this alteration is predicted to be deleterious by in silico analysis. Since supporting evidence is limited at this time, the clinical significance of this alteration remains unclear.

NM_006206.6(PDGFRA):c.1993A>G (p.Thr665Ala)

Gene: PDGFRA (platelet derived growth factor receptor alpha; plus strand). Cytogenetic location: 4q12.
Variant type: single nucleotide variant.
Coding change: c.1993A>G on transcript NM_006206.6 (MANE Select); coding-DNA position 1993, A replaced by G.
Protein change: p.Thr665Ala; replaces threonine 665 with alanine.
Molecular consequence: missense variant.
Genome position (GRCh38, 1-based): chr4:54,277,997, A>G. VCF-style: chr4-54277997-A-G. GRCh37 (hg19) VCF-style: chr4-55144164-A-G.
Other names: c.1993A>G, p.Thr665Ala (NM_001347827.2, NM_001347829.2); c.2068A>G, p.Thr690Ala (NM_001347828.2); c.2032A>G, p.Thr678Ala (NM_001347830.2); short protein forms T690A, T665A, T678A.
Identifiers: ClinVar variation 1784007 (VCV001784007.2), dbSNP rs2475512124, ClinGen allele CA356893784.
Genomic context (GRCh38, chr4:54,277,997, plus strand): 5'-CTGAAGATAATGACTCACCTGGGGCCACATTTGAACATTGTAAACTTGCTGGGAGCCTGC[A>G]CCAAGTCAGGTGGGCTCACTGACCTGGAGTGAGGATTTTCACTGGACACATGTGGTTGTG-3'
Protein context (NP_006197.1, residues 655-675): LNIVNLLGAC[Thr665Ala]KSGPIYIITE